The following is an entry in ClinVar:

ClinVar aggregate classification (germline): Conflicting classifications of pathogenicity. Review status: criteria provided, conflicting classifications (1 of 4 stars). 5 submissions from 5 submitters: Uncertain significance (4); Likely benign (1). Last evaluated 2026-01-16.

Conditions:
Hypokalemic periodic paralysis, type 1. Also called: HypoPP; Hypokalemic Periodic Paralysis Type 1 (AD). Identifiers: Orphanet 681, MedGen C3714580, MONDO:0042979, OMIM 170400.
Malignant hyperthermia, susceptibility to, 5 (MHS5). Also called: CACNA1S-Related Malignant Hyperthermia Susceptibility. Identifiers: Orphanet 423, MedGen C1866077, MONDO:0011163, OMIM 601887.
Inborn genetic diseases. Identifiers: MedGen C0950123, MeSH D030342.

Allele frequency attached by ClinVar (database versions not stated): TOPMed 0.00002.
gnomAD v4.1: 49 of 1,613,746 alleles (0.003%); highest among the groups gnomAD compares: South Asian, 0.027%; no homozygotes.

Submissions (5):

Labcorp Genetics (formerly Invitae), Labcorp
Classification: Likely benign for Hypokalemic periodic paralysis, type 1; Malignant hyperthermia, susceptibility to, 5. Last evaluated: 2026-01-16. Review status: criteria provided, single submitter. Criteria: Invitae Variant Classification Sherloc (09022015). Collection method: clinical testing. Allele origin: germline.

Ambry Genetics
Classification: Uncertain significance for Inborn genetic diseases. Last evaluated: 2025-09-26. Review status: criteria provided, single submitter. Criteria: Ambry Variant Classification Scheme 2023. Collection method: clinical testing. Allele origin: germline.

Color Diagnostics, LLC DBA Color Health
Classification: Uncertain significance for Malignant hyperthermia, susceptibility to, 5. Last evaluated: 2025-09-05. Review status: criteria provided, single submitter. Criteria: ACMG Guidelines, 2015. Collection method: clinical testing. Allele origin: germline.
Comment: This missense variant replaces methionine with lysine at codon 635 of the CACNA1S protein. Computational prediction is inconclusive regarding the impact of this variant on protein structure and function. To our knowledge, functional studies have not been reported for this variant. This variant has not been reported in individuals affected with CACNA1S-related disorders in the literature. This variant has been identified in 10/251492 chromosomes in the general population by the Genome Aggregation Database (gnomAD). The available evidence is insufficient to determine the role of this variant in disease conclusively. Therefore, this variant is classified as a Variant of Uncertain Significance.

All of Us Research Program, National Institutes of Health
Classification: Uncertain significance for Malignant hyperthermia, susceptibility to, 5. Last evaluated: 2024-09-23. Review status: criteria provided, single submitter. Criteria: ACMG Guidelines, 2015. Collection method: clinical testing. Allele origin: germline. Inheritance: Autosomal dominant inheritance. Observed: 3 variant alleles, 3 heterozygotes.
Comment: This study involves interpretation of variants in research participants for the purpose of population health screening. Participant phenotype was not available at the time of variant classification. Additional details can be found in publication PMID: 35346344, PMCID: PMC8962531

GeneDx
Classification: Uncertain significance. Last evaluated: 2017-04-21. Review status: criteria provided, single submitter. Criteria: GeneDx Variant Classification (06012015). Collection method: clinical testing. Allele origin: germline. Affected: yes.
Comment: A variant of uncertain significance has been identified in the CACNA1A gene. The M635K variant has not been published as a pathogenic variant, nor has it been reported as a benign variant to our knowledge. The M635K variant is observed in 2/16512 (0.1%) alleles from individuals of South Asian background, (Lek et al., 2016; 1000 Genomes Consortium et al., 2015; Exome Variant Server). The M635K variant is a non-conservative amino acid substitution, which is likely to impact secondary protein structure as these residues differ in polarity, charge, size and/or other properties. This substitution occurs at a position where amino acids with similar properties to Methionine are tolerated across species. In silico analysis predicts this variant is probably damaging to the protein structure/function. However, missense variants in nearby residues have not been reported in the Human Gene Mutation Database in association with CACNA1A-related disorders (Stenson et al., 2014). Therefore, based on the currently available information, it is unclear whether this variant is a pathogenic variant or a rare benign variant.

NM_000069.3(CACNA1S):c.1904T>A (p.Met635Lys)

Gene: CACNA1S (calcium voltage-gated channel subunit alpha1 S; minus strand). Cytogenetic location: 1q32.1.
Variant type: single nucleotide variant.
Coding change: c.1904T>A on transcript NM_000069.3 (MANE Select); coding-DNA position 1904, T replaced by A.
Protein change: p.Met635Lys; replaces methionine 635 with lysine.
Molecular consequence: missense variant.
Genome position (GRCh38, 1-based): chr1:201,075,539, A>T on the plus strand (T>A on the coding strand, the complement: CACNA1S is on the minus strand). VCF-style: chr1-201075539-A-T. GRCh37 (hg19) VCF-style: chr1-201044667-A-T.
Other names: short protein forms M635K.
Identifiers: ClinVar variation 429388 (VCV000429388.12), dbSNP rs144590408, ClinGen allele CA078659.
Genomic context (GRCh38, chr1:201,075,539, plus strand): 5'-GCTCCCGAGAGGATACAGTTGCCACAGACGAAAAGGATGATGAAGTAAATGCACACAAGC[A>T]TGCCAGGGTAGGACGGCCCGCCGTAGGCCATGATCCCATTGTACATCATTGAGGTCCAGT-3'
Protein context (NP_000060.2, residues 625-645): MAYGGPSYPG[Met635Lys]LVCIYFIILF